The following is an entry in ClinVar:

ClinVar aggregate classification (germline): Likely pathogenic (1 of 4 stars; one submission).

Submission:

GeneDx
Classification: Likely pathogenic. Last evaluated: 2017-10-31. Review status: criteria provided, single submitter. Criteria: GeneDx Variant Classification (06012015). Collection method: clinical testing. Allele origin: germline. Affected: yes.
Comment: The c.1711_1712delTT variant in the SLC6A9 gene has not been reported previously as a pathogenic variant, nor as a benign variant, to our knowledge. The c.1711_1712delTT variant causes a frameshift starting with codon Phenylalanine 571, changes this amino acid to a Leucine residue and creates a premature Stop codon at position 104 of the new reading frame, denoted p.Phe571LeufsX104. This variant is predicted to cause loss of normal protein function through protein truncation as the last 136 amino acids are lost and replaced with 103 incorrect amino acids. The c.1711_1712delTT variant is not observed in large population cohorts (Lek et al., 2016). We interpret c.1711_1712delTT as a likely pathogenic variant.

NM_001024845.3(SLC6A9):c.1492_1493del (p.Phe498fs)

Gene: SLC6A9 (solute carrier family 6 member 9; minus strand). Cytogenetic location: 1p34.1.
Variant type: Deletion.
Coding change: c.1492_1493del on transcript NM_001024845.3 (MANE Select); coding-DNA positions 1492 to 1493, 2 bases deleted (TT; older notation c.1492_1493delTT).
Protein change: p.Phe498fs; shifts the reading frame from phenylalanine 498.
Molecular consequence: frameshift variant. On other transcripts: non-coding transcript variant (1).
Genome position (GRCh38, 1-based): chr1:44,000,810-44,000,811, AA deleted on the plus strand (TT on the coding strand, the reverse complement: SLC6A9 is on the minus strand). VCF-style (leftmost placement, unchanged base first): chr1-44000809-GAA-G. GRCh37 (hg19) VCF-style: chr1-44466481-GAA-G.
Other names: c.1504_1505del, p.Phe502fs (NM_001261380.2); c.1159_1160del, p.Phe387fs (NM_001328626.2, NM_001328630.2); c.1429_1430del, p.Phe477fs (NM_001328627.1); c.1297_1298del, p.Phe433fs (NM_001328628.1); c.1492_1493del, p.Phe498fs (NM_001328629.1); c.1549_1550del, p.Phe517fs (NM_006934.4); c.1711_1712del, p.Phe571fs (NM_201649.4); short protein forms F433fs, F477fs, F502fs, F571fs, F387fs, F498fs, F517fs.
Identifiers: ClinVar variation 446106 (VCV000446106.2), dbSNP rs1553160504, ClinGen allele CA658653737.
Genomic context (GRCh38, chr1:44,000,809, plus strand): 5'-GCCGGCCAGGGAACTCACGAAGATGATGGCGGGAGAGACGAAGCGCCAGCAGATCTGAAA[GAA>G]GAGGGGTGGTGGGAATCCCAGCATCATCTGGATGTCCTGGAAGTAGTTCCGGTGCCCTGG-3'